The following is an entry in ClinVar:

ClinVar aggregate classification (germline): Uncertain significance (1 of 4 stars; one submission).

Submission:

ARUP Laboratories, Molecular Genetics and Genomics, ARUP Laboratories
Classification: Uncertain significance. Last evaluated: 2018-10-01. Review status: criteria provided, single submitter. Criteria: ARUP Molecular Germline Variant Investigation Process. Collection method: clinical testing. Allele origin: germline.
Comment: The TTR c.47T>A; p.Phe16Tyr variant, to our knowledge, is not reported in the medical literature or gene specific databases. This variant is also absent from general population databases (Exome Variant Server, Genome Aggregation Database), indicating it is not a common polymorphism. The phenylalanine at codon 16 is moderately conserved, but computational analyses (SIFT, PolyPhen-2) predict that this variant is tolerated. Due to limited information, the clinical significance of the p.Phe16Tyr variant is uncertain at this time.

NM_000371.4(TTR):c.47T>A (p.Phe16Tyr)

Gene: TTR (transthyretin; plus strand). Cytogenetic location: 18q12.1.
Variant type: single nucleotide variant.
Coding change: c.47T>A on transcript NM_000371.4 (MANE Select); coding-DNA position 47, T replaced by A.
Protein change: p.Phe16Tyr; replaces phenylalanine 16 with tyrosine.
Molecular consequence: missense variant.
Genome position (GRCh38, 1-based): chr18:31,591,949, T>A. VCF-style: chr18-31591949-T-A. GRCh37 (hg19) VCF-style: chr18-29171912-T-A.
Other names: short protein forms F16Y.
Identifiers: ClinVar variation 811759 (VCV000811759.8), dbSNP rs1598843637, ClinGen allele CA402156327.